The following is an entry in ClinVar:

ClinVar aggregate classification (germline): Uncertain significance (1 of 4 stars; one submission).

Conditions:
RASopathy. Also called: rasopathies; Noonan spectrum disorder. Identifiers: Orphanet 536391, MedGen C5555857, MONDO:0021060.

Submission:

Labcorp Genetics (formerly Invitae), Labcorp
Classification: Uncertain significance for RASopathy. Last evaluated: 2022-04-24. Review status: criteria provided, single submitter. Criteria: Invitae Variant Classification Sherloc (09022015). Collection method: clinical testing. Allele origin: germline.
Comment: In summary, the available evidence is currently insufficient to determine the role of this variant in disease. Therefore, it has been classified as a Variant of Uncertain Significance. Advanced modeling of protein sequence and biophysical properties (such as structural, functional, and spatial information, amino acid conservation, physicochemical variation, residue mobility, and thermodynamic stability) performed at Invitae indicates that this missense variant is expected to disrupt BRAF protein function. This variant has not been reported in the literature in individuals affected with BRAF-related conditions. This variant is not present in population databases (gnomAD no frequency). This sequence change replaces serine, which is neutral and polar, with leucine, which is neutral and non-polar, at codon 467 of the BRAF protein (p.Ser467Leu).

NM_004333.6(BRAF):c.1400C>T (p.Ser467Leu)

Gene: BRAF (B-Raf proto-oncogene, serine/threonine kinase; minus strand). Cytogenetic location: 7q34.
Variant type: single nucleotide variant.
Coding change: c.1400C>T on transcript NM_004333.6 (MANE Select); coding-DNA position 1400, C replaced by T.
Protein change: p.Ser467Leu; replaces serine 467 with leucine.
Molecular consequence: missense variant.
Genome position (GRCh38, 1-based): chr7:140,781,608, G>A on the plus strand (C>T on the coding strand, the complement: BRAF is on the minus strand). VCF-style: chr7-140781608-G-A. GRCh37 (hg19) VCF-style: chr7-140481408-G-A.
Other names: c.1400C>T, p.Ser467Leu (NM_001354609.2, NM_001378468.1, NM_001378474.1); c.1520C>T, p.Ser507Leu (NM_001374244.1, NM_001374258.1); c.1409C>T, p.Ser470Leu (NM_001378467.1); c.1334C>T, p.Ser445Leu (NM_001378469.1); c.1298C>T, p.Ser433Leu (NM_001378470.1); c.1289C>T, p.Ser430Leu (NM_001378471.1); c.1244C>T, p.Ser415Leu (NM_001378472.1, NM_001378473.1); c.1136C>T, p.Ser379Leu (NM_001378475.1); short protein forms S433L, S467L, S507L, S430L, S470L, S445L, S379L, S415L.
Identifiers: ClinVar variation 1905687 (VCV001905687.5), dbSNP rs867748453, ClinGen allele CA168090516.
Genomic context (GRCh38, chr7:140,781,608, plus strand): 5'-TCACAATGTCACCACATTACATACTTACCATGCCACTTTCCCTTGTAGACTGTTCCAAAT[G>A]ATCCAGATCCAATTCTTTGTCCCACTGTAATCTGCCCATCAGGAATCTCCCAATCATCAC-3'
Protein context (NP_004324.2, residues 457-477): ITVGQRIGSG[Ser467Leu]FGTVYKGKWH